The following is an entry in ClinVar:

ClinVar aggregate classification (germline): Uncertain significance (1 of 4 stars; one submission).

Conditions:
Early-infantile DEE. Also called: Early infantile epileptic encephalopathy with suppression bursts; Early infantile epileptic encephalopathy; Ohtahara syndrome. Identifiers: Orphanet 1934, MedGen C0393706, MONDO:0800491.

Allele frequency attached by ClinVar (database versions not stated): ExAC 0.00001; TOPMed 0.00001.

Submission:

Labcorp Genetics (formerly Invitae), Labcorp
Classification: Uncertain significance for Early-infantile DEE. Last evaluated: 2022-05-13. Review status: criteria provided, single submitter. Criteria: Invitae Variant Classification Sherloc (09022015). Collection method: clinical testing. Allele origin: germline.
Comment: This sequence change replaces glutamic acid, which is acidic and polar, with aspartic acid, which is acidic and polar, at codon 106 of the CACNA2D2 protein (p.Glu106Asp). This variant is present in population databases (rs777922331, gnomAD 0.006%). This variant has not been reported in the literature in individuals affected with CACNA2D2-related conditions. Algorithms developed to predict the effect of missense changes on protein structure and function (SIFT, PolyPhen-2, Align-GVGD) all suggest that this variant is likely to be tolerated. In summary, the available evidence is currently insufficient to determine the role of this variant in disease. Therefore, it has been classified as a Variant of Uncertain Significance.

NM_006030.4(CACNA2D2):c.318G>C (p.Glu106Asp)

Gene: CACNA2D2 (calcium voltage-gated channel auxiliary subunit alpha2delta 2; minus strand). Cytogenetic location: 3p21.31.
Variant type: single nucleotide variant.
Coding change: c.318G>C on transcript NM_006030.4 (MANE Select); coding-DNA position 318, G replaced by C.
Protein change: p.Glu106Asp; replaces glutamic acid 106 with aspartic acid.
Molecular consequence: missense variant.
Genome position (GRCh38, 1-based): chr3:50,434,400, C>G on the plus strand (G>C on the coding strand, the complement: CACNA2D2 is on the minus strand). VCF-style: chr3-50434400-C-G. GRCh37 (hg19) VCF-style: chr3-50471831-C-G.
Other names: c.318G>C, p.Glu106Asp (NM_001005505.3, NM_001174051.3, NM_001410768.1); c.111G>C, p.Glu37Asp (NM_001291101.1); short protein forms E106D, E37D.
Identifiers: ClinVar variation 2055768 (VCV002055768.4), dbSNP rs777922331, ClinGen allele CA2419252.